The following is an entry in ClinVar:

NM_001077365.2(POMT1):c.1859dup (p.Cys621fs)

Gene: POMT1 (protein O-mannosyltransferase 1; plus strand). Cytogenetic location: 9q34.13.
Variant type: Duplication.
Coding change: c.1859dup on transcript NM_001077365.2 (MANE Select); coding-DNA position 1859, one base duplicated (T; older notation c.1859dupT).
Protein change: p.Cys621fs; shifts the reading frame from cysteine 621.
Molecular consequence: frameshift variant. On other transcripts: non-coding transcript variant (10).
Genome position (GRCh38, 1-based): chr9:131,522,080, T duplicated. VCF-style (leftmost placement, unchanged base first): chr9-131522079-C-CT. GRCh37 (hg19) VCF-style: chr9-134397466-C-CT.
Other names: c.1697dup, p.Cys567fs (NM_001077366.2, NM_001353194.2); c.1859dup, p.Cys621fs (NM_001136113.2); c.1508dup, p.Cys504fs (NM_001136114.2, NM_001353195.2, NM_001374691.1 and 2 more transcripts); c.1925dup, p.Cys643fs (NM_001353193.2, NM_007171.4); c.1769dup, p.Cys591fs (NM_001353196.2); c.1763dup, p.Cys589fs (NM_001353197.2, NM_001353198.2); c.1574dup, p.Cys526fs (NM_001353199.2); c.1403dup, p.Cys469fs (NM_001353200.2); and 4 more; short protein forms C244fs, C469fs, C491fs, C504fs, C526fs, C548fs, C567fs, C589fs.
Identifiers: ClinVar variation 4854265 (VCV004854265.1).

ClinVar aggregate classification (germline): Likely pathogenic (1 of 4 stars; one submission).

Conditions:
Muscular dystrophy-dystroglycanopathy (congenital with brain and eye anomalies), type A1 (MDDGA1). Also called: Muscular dystrophy-dystroglycanopathy (congenital with brain and eye anomalies), type A, 1; WALKER-WARBURG SYNDROME OR MUSCLE-EYE-BRAIN DISEASE, POMT1-RELATED; Hydrocephalus, agyria and retinal dysplasia; Hard +/- E syndrome; Warburg syndrome; Chemke syndrome. Identifiers: Orphanet 588, Orphanet 899, MedGen C4284790, MONDO:0009364, OMIM 236670.

Submission:

3billion
Classification: Likely pathogenic for Muscular dystrophy-dystroglycanopathy (congenital with brain and eye anomalies), type A1. Last evaluated: 2025-09-25. Review status: criteria provided, single submitter. Criteria: ACMG Guidelines, 2015. Collection method: clinical testing. Allele origin: germline. Affected: yes.
Comment: The variant is not observed in the gnomAD v4.1.0 dataset. Predicted Consequence/Location: Frameshift: predicted to result in a loss or disruption of normal protein function through nonsense-mediated decay (NMD) or protein truncation. Multiple pathogenic variants are reported downstream of the variant. Therefore, this variant is classified as Likely pathogenic according to the recommendation of ACMG/AMP guideline.